The following is an entry in ClinVar:

NM_004006.3(DMD):c.224A>G (p.Asn75Ser)

Gene: DMD (dystrophin; minus strand). Cytogenetic location: Xp21.1.
Variant type: single nucleotide variant.
Coding change: c.224A>G on transcript NM_004006.3 (MANE Select); coding-DNA position 224, A replaced by G.
Protein change: p.Asn75Ser; replaces asparagine 75 with serine.
Molecular consequence: missense variant. On other transcripts: 5 prime UTR variant (1).
Genome position (GRCh38, 1-based): chrX:32,844,823, T>C on the plus strand (A>G on the coding strand, the complement: DMD is on the minus strand). VCF-style: chrX-32844823-T-C. GRCh37 (hg19) VCF-style: chrX-32862940-T-C.
Other names: c.200A>G, p.Asn67Ser (NM_000109.4); c.212A>G, p.Asn71Ser (NM_004009.3); c.-146A>G (NM_004010.3); short protein forms N67S, N71S, N75S.
Identifiers: ClinVar variation 958453 (VCV000958453.8), dbSNP rs2080508805, ClinGen allele CA412674716.

ClinVar aggregate classification (germline): Uncertain significance. Review status: criteria provided, single submitter (1 of 4 stars). 2 submissions from 2 submitters: Uncertain significance (1). 1 of the submissions does not count toward it. Last evaluated 2021-08-24.

Conditions:
Duchenne muscular dystrophy (DMD). Also called: MUSCULAR DYSTROPHY, PSEUDOHYPERTROPHIC PROGRESSIVE, DUCHENNE TYPE; Duchenne Muscular Dystrophy (DMD). Identifiers: Orphanet 98896, MedGen C0013264, MONDO:0010679, OMIM 310200.
Dystrophin deficiency.
Becker muscular dystrophy (BMD). Also called: MUSCULAR DYSTROPHY, PSEUDOHYPERTROPHIC PROGRESSIVE, BECKER TYPE; Becker Muscular Dystrophy (BMD). Identifiers: Orphanet 98895, MedGen C0917713, MONDO:0010311, OMIM 300376.
Cardiomyopathy (CMYO). Also called: Cardiomyopathies. Identifiers: Orphanet 167848, MedGen C0878544, MONDO:0004994, HP:0001638. Inheritance: Various modes of inheritance.

Allele frequency attached by ClinVar (database versions not stated): gnomAD exomes below 0.00001.
gnomAD v4.1: 1 of 1,211,767 alleles (0.000083%); highest among the groups gnomAD compares: Non-Finnish European, 0.00011%; no homozygotes.

Submissions (2):

Labcorp Genetics (formerly Invitae), Labcorp
Classification: Uncertain significance for Duchenne muscular dystrophy. Last evaluated: 2021-08-24. Review status: criteria provided, single submitter. Criteria: Invitae Variant Classification Sherloc (09022015). Collection method: clinical testing. Allele origin: germline.
Comment: This sequence change replaces asparagine with serine at codon 75 of the DMD protein (p.Asn75Ser). The asparagine residue is highly conserved and there is a small physicochemical difference between asparagine and serine. This variant is not present in population databases (ExAC no frequency). This variant has not been reported in the literature in individuals affected with DMD-related conditions. Algorithms developed to predict the effect of missense changes on protein structure and function (SIFT, PolyPhen-2, Align-GVGD) all suggest that this variant is likely to be disruptive. In summary, the available evidence is currently insufficient to determine the role of this variant in disease. Therefore, it has been classified as a Variant of Uncertain Significance.

Natera, Inc.
Classification: Uncertain significance for Becker muscular dystrophy; Cardiomyopathy; Duchenne muscular dystrophy; Dystrophin deficiency. Last evaluated: 2020-12-28. Review status: no assertion criteria provided. Collection method: clinical testing. Allele origin: germline. Not counted in ClinVar's aggregate classification.